The following is an entry in ClinVar:

ClinVar aggregate classification (germline): Likely benign. Review status: criteria provided, multiple submitters, no conflicts (2 of 4 stars). 2 submissions from 2 submitters: Likely benign (2). Last evaluated 2018-06-14.

Allele frequency attached by ClinVar (database versions not stated): 1000 Genomes Project 30x 0.01228; 1000 Genomes Project 0.01245; gnomAD 0.02487 and 0.02531; TOPMed 0.02522.
gnomAD v4.1: 2,775 of 111,677 alleles (2.5%); highest among the groups gnomAD compares: Non-Finnish European, 3.7%; 39 homozygotes.

Submissions (2):

GeneDx
Classification: Likely benign. Last evaluated: 2018-06-14. Review status: criteria provided, single submitter. Criteria: GeneDx Variant Classification (06012015). Collection method: clinical testing. Allele origin: germline. Affected: yes.
Comment: This variant is considered likely benign or benign based on one or more of the following criteria: it is a conservative change, it occurs at a poorly conserved position in the protein, it is predicted to be benign by multiple in silico algorithms, and/or has population frequency not consistent with disease.

Breakthrough Genomics
Classification: Likely benign. Review status: criteria provided, single submitter. Criteria: ACMG Guidelines, 2015. Collection method: not provided. Allele origin: germline. Inheritance: X-linked inheritance. Affected: yes.

NM_000252.3(MTM1):c.1353+229A>G

Gene: MTM1 (myotubularin 1; plus strand). Cytogenetic location: Xq28.
Variant type: single nucleotide variant.
Coding change: c.1353+229A>G on transcript NM_000252.3 (MANE Select); 229 bases into the intron after coding-DNA position 1353, A replaced by G.
Molecular consequence: intron variant.
Genome position (GRCh38, 1-based): chrX:150,659,985, A>G. VCF-style: chrX-150659985-A-G. GRCh37 (hg19) VCF-style: chrX-149828458-A-G.
Other names: c.1353+229A>G (NM_001376908.1, NM_001376906.1); c.1242+229A>G (NM_001376907.1).
Identifiers: ClinVar variation 683192 (VCV000683192.2), dbSNP rs138203673, ClinGen allele CA337093125.
Genomic context (GRCh38, chrX:150,659,985, plus strand): 5'-TTATTCCTGCTACTATTGATATATCTGGGATTTTCCCTAATAAAGTTTTAAAAATTAAGT[A>G]TTTAACTCTGATGTCTCTACTAGTGGAATTGACAATACCAAGTCGTCGTTTATATACATT-3'